The following is an entry in ClinVar:

NM_000038.6(APC):c.645+3454T>G

Gene: APC (APC regulator of WNT signaling pathway; plus strand). Cytogenetic location: 5q22.2.
Variant type: single nucleotide variant.
Coding change: c.645+3454T>G on transcript NM_000038.6 (MANE Select); 3454 bases into the intron after coding-DNA position 645, T replaced by G.
Molecular consequence: intron variant.
Genome position (GRCh38, 1-based): chr5:112,784,357, T>G. VCF-style: chr5-112784357-T-G. GRCh37 (hg19) VCF-style: chr5-112120054-T-G.
Other names: c.645+3454T>G (NM_001354895.2, NM_001127510.3, NM_001354896.2 and 2 more transcripts); c.675+3454T>G (NM_001354897.2, NM_001354902.2, NM_001127511.3); c.570+3454T>G (NM_001354898.2, NM_001354904.2); c.-391+3454T>G (NM_001354906.2); c.468+3454T>G (NM_001354900.2, NM_001354901.2, NM_001354905.2).
Identifiers: ClinVar variation 82445 (VCV000082445.2), dbSNP rs75224978, ClinGen allele CA011438.
Genomic context (GRCh38, chr5:112,784,357, plus strand): 5'-GCCTCAAGTGATCTGCCTGCCTTGACCTCCCAAAGTGCTGGGATTACAGGCATGAGCCAC[T>G]GCACCCAGCCAACATTGTCTGCCCTGTTCTTTTAAGAATAAATTGATACATTTTTGGAGG-3'

ClinVar aggregate classification (germline): other (0 of 4 stars; one submission).

Conditions:
Familial colorectal cancer. Identifiers: MedGen CN280943, MONDO:0023113. Disease mechanism: loss of function.

Submission:

Systems Biology Platform Zhejiang California International NanoSystems Institute
Classification: other for Familial colorectal cancer. Review status: no assertion criteria provided. Collection method: not provided. Allele origin: unknown.
ClinVar note: Converted during submission from cancer to other.